The following is an entry in ClinVar:

NM_000059.4(BRCA2):c.9713A>C (p.Lys3238Thr)

Gene: BRCA2 (BRCA2 DNA repair associated; plus strand). Cytogenetic location: 13q13.1.
Variant type: single nucleotide variant.
Coding change: c.9713A>C on transcript NM_000059.4 (MANE Select); coding-DNA position 9713, A replaced by C.
Protein change: p.Lys3238Thr; replaces lysine 3238 with threonine.
Molecular consequence: missense variant. On other transcripts: non-coding transcript variant (1).
Genome position (GRCh38, 1-based): chr13:32,398,226, A>C. VCF-style: chr13-32398226-A-C. GRCh37 (hg19) VCF-style: chr13-32972363-A-C.
Other names: c.9617A>C, p.Lys3206Thr (NM_001406719.1); c.9662A>C, p.Lys3221Thr (NM_001406720.1); c.4781A>C, p.Lys1594Thr (NM_001406721.1); c.3296A>C, p.Lys1099Thr (NM_001406722.1); short protein forms K1099T, K1594T, K3206T, K3221T, K3238T.
Identifiers: ClinVar variation 3230218 (VCV003230218.2), dbSNP rs2137663110, ClinGen allele CA387765444.
Genomic context (GRCh38, chr13:32,398,226, plus strand): 5'-CTTCTCCTAATTGTGAGATATATTATCAAAGTCCTTTATCACTTTGTATGGCCAAAAGGA[A>C]GTCTGTTTCCACACCTGTCTCAGCCCAGATGACTTCAAAGTCTTGTAAAGGGGAGAAAGA-3'
Protein context (NP_000050.3, residues 3228-3248): SPLSLCMAKR[Lys3238Thr]SVSTPVSAQM

ClinVar aggregate classification (germline): Uncertain significance. Review status: criteria provided, multiple submitters, no conflicts (2 of 4 stars). 2 submissions from 2 submitters: Uncertain significance (2). Last evaluated 2026-02-17.

Conditions:
Hereditary cancer-predisposing syndrome. Also called: Neoplastic Syndromes, Hereditary; Tumor predisposition; Hereditary Cancer Syndrome; Hereditary neoplastic syndrome. Identifiers: Orphanet 140162, MedGen C0027672, MeSH D009386, MONDO:0015356.

Submissions (2):

Women's Health and Genetics/Laboratory Corporation of America, LabCorp
Classification: Uncertain significance. Last evaluated: 2026-02-17. Review status: criteria provided, single submitter. Criteria: LabCorp Variant Classification Summary - May 2015. Collection method: clinical testing. Allele origin: germline.

Ambry Genetics
Classification: Uncertain significance for Hereditary cancer-predisposing syndrome. Last evaluated: 2024-02-22. Review status: criteria provided, single submitter. Criteria: Ambry Variant Classification Scheme 2023. Collection method: clinical testing. Allele origin: germline.
Comment: The p.K3238T variant (also known as c.9713A>C), located in coding exon 26 of the BRCA2 gene, results from an A to C substitution at nucleotide position 9713. The lysine at codon 3238 is replaced by threonine, an amino acid with similar properties. This amino acid position is conserved. In addition, this alteration is predicted to be tolerated by in silico analysis. Based on the available evidence, the clinical significance of this alteration remains unclear.